The following is an entry in ClinVar:

ClinVar aggregate classification (germline): Pathogenic (1 of 4 stars; one submission).

Conditions:
Alstrom syndrome (ALMS). Identifiers: Orphanet 64, MedGen C0268425, MONDO:0008763, OMIM 203800.

Submission:

Labcorp Genetics (formerly Invitae), Labcorp
Classification: Pathogenic for Alstrom syndrome. Last evaluated: 2023-06-16. Review status: criteria provided, single submitter. Criteria: Invitae Variant Classification Sherloc (09022015). Collection method: clinical testing. Allele origin: germline.
Comment: This sequence change creates a premature translational stop signal (p.Val3568Argfs*6) in the ALMS1 gene. It is expected to result in an absent or disrupted protein product. Loss-of-function variants in ALMS1 are known to be pathogenic (PMID: 17594715). This variant is not present in population databases (gnomAD no frequency). This variant has not been reported in the literature in individuals affected with ALMS1-related conditions. For these reasons, this variant has been classified as Pathogenic.

Literature cited by the submitters: PubMed 17594715.

NM_001378454.1(ALMS1):c.10698_10702del (p.Val3567fs)

Gene: ALMS1 (ALMS1 centrosome and basal body associated protein; plus strand). Cytogenetic location: 2p13.1.
Variant type: Deletion.
Coding change: c.10698_10702del on transcript NM_001378454.1 (MANE Select); coding-DNA positions 10698 to 10702, 5 bases deleted (AGTTA; older notation c.10698_10702delAGTTA).
Protein change: p.Val3567fs; shifts the reading frame from valine 3567.
Molecular consequence: frameshift variant.
Genome position (GRCh38, 1-based): chr2:73,572,575-73,572,579, AGTTA deleted; deleting any 5 consecutive bases within chr2:73,572,574-73,572,579 gives the same sequence; the c. name uses the placement nearest the transcript's 3' end. VCF-style (leftmost placement, unchanged base first): chr2-73572573-CAAGTT-C. GRCh37 (hg19) VCF-style: chr2-73799700-CAAGTT-C.
Other names: c.10701_10705del, p.Val3568fs (NM_015120.4); short protein forms V3567fs, V3568fs.
Identifiers: ClinVar variation 2717368 (VCV002717368.3), dbSNP rs2466444235, ClinGen allele CA2697548291.